The following is an entry in ClinVar:

NM_002529.4(NTRK1):c.2224C>A (p.Gln742Lys)

Gene: NTRK1 (neurotrophic receptor tyrosine kinase 1; plus strand). Cytogenetic location: 1q23.1.
Variant type: single nucleotide variant.
Coding change: c.2224C>A on transcript NM_002529.4 (MANE Select); coding-DNA position 2224, C replaced by A.
Protein change: p.Gln742Lys; replaces glutamine 742 with lysine.
Molecular consequence: missense variant.
Genome position (GRCh38, 1-based): chr1:156,881,475, C>A. VCF-style: chr1-156881475-C-A. GRCh37 (hg19) VCF-style: chr1-156851267-C-A.
Other names: p.Gln736Lys; c.2224C>A, p.Gln742Lys (NM_001007204.1); c.2116C>A, p.Gln706Lys (NM_001007792.1); c.2206C>A, p.Gln736Lys (NM_001012331.2); short protein forms Q706K, Q736K, Q742K.
Identifiers: ClinVar variation 2145349 (VCV002145349.4), dbSNP rs1176849590, ClinGen allele CA342941366.

ClinVar aggregate classification (germline): Uncertain significance. Review status: criteria provided, multiple submitters, no conflicts (2 of 4 stars). 3 submissions from 3 submitters: Uncertain significance (3). Last evaluated 2025-05-20.

Conditions:
Inborn genetic diseases. Identifiers: MedGen C0950123, MeSH D030342.
Hereditary insensitivity to pain with anhidrosis (CIPA). Also called: hereditary sensory and autonomic neuropathy type 4; NEUROPATHY, CONGENITAL SENSORY, WITH ANHIDROSIS; NTRK1 Congenital Insensitivity to Pain with Anhidrosis; INSENSITIVITY TO PAIN, CONGENITAL, WITH ANHIDROSIS; HSAN Type IV; FAMILIAL DYSAUTONOMIA, TYPE II. Identifiers: Orphanet 642, MedGen C0020074, MONDO:0009746, OMIM 256800.

Allele frequency attached by ClinVar (database versions not stated): gnomAD 0.00002; TOPMed 0.00002.
gnomAD v4.1: 8 of 1,577,752 alleles (0.00051%); highest among the groups gnomAD compares: Non-Finnish European, 0.00052%; no homozygotes.

Submissions (3):

Mayo Clinic Laboratories, Mayo Clinic
Classification: Uncertain significance. Last evaluated: 2025-05-20. Review status: criteria provided, single submitter. Criteria: ACMG Guidelines, 2015. Collection method: clinical testing. Allele origin: germline. Observed: 1 variant allele.
Comment: PM2_supporting

Ambry Genetics
Classification: Uncertain significance for Inborn genetic diseases. Last evaluated: 2023-08-28. Review status: criteria provided, single submitter. Criteria: Ambry Variant Classification Scheme 2023. Collection method: clinical testing. Allele origin: germline.

Labcorp Genetics (formerly Invitae), Labcorp
Classification: Uncertain significance for Hereditary insensitivity to pain with anhidrosis. Last evaluated: 2022-07-22. Review status: criteria provided, single submitter. Criteria: Invitae Variant Classification Sherloc (09022015). Collection method: clinical testing. Allele origin: germline.
Comment: This sequence change replaces glutamine, which is neutral and polar, with lysine, which is basic and polar, at codon 736 of the NTRK1 protein (p.Gln736Lys). The frequency data for this variant in the population databases is considered unreliable, as metrics indicate poor data quality at this position in the gnomAD database. This variant has not been reported in the literature in individuals affected with NTRK1-related conditions. Advanced modeling of protein sequence and biophysical properties (such as structural, functional, and spatial information, amino acid conservation, physicochemical variation, residue mobility, and thermodynamic stability) performed at Invitae indicates that this missense variant is not expected to disrupt NTRK1 protein function. Algorithms developed to predict the effect of sequence changes on RNA splicing suggest that this variant may disrupt the consensus splice site. In summary, the available evidence is currently insufficient to determine the role of this variant in disease. Therefore, it has been classified as a Variant of Uncertain Significance.